The following is an entry in ClinVar:

ClinVar aggregate classification (germline): Likely pathogenic (1 of 4 stars; one submission).

Submission:

Labcorp Genetics (formerly Invitae), Labcorp
Classification: Likely pathogenic. Last evaluated: 2022-03-04. Review status: criteria provided, single submitter. Criteria: Invitae Variant Classification Sherloc (09022015). Collection method: clinical testing. Allele origin: germline.
Comment: This sequence change affects an acceptor splice site in intron 10 of the ATR gene. It is expected to disrupt RNA splicing. Variants that disrupt the donor or acceptor splice site typically lead to a loss of protein function (PMID: 16199547), and loss-of-function variants in ATR are known to be pathogenic (PMID: 21228398, 23144622). This variant is not present in population databases (gnomAD no frequency). This variant has not been reported in the literature in individuals affected with ATR-related conditions. Algorithms developed to predict the effect of sequence changes on RNA splicing suggest that this variant may disrupt the consensus splice site. In summary, the currently available evidence indicates that the variant is pathogenic, but additional data are needed to prove that conclusively. Therefore, this variant has been classified as Likely Pathogenic.

Literature cited by the submitters: PubMed 16199547; PubMed 21228398; PubMed 23144622.

NM_001184.4(ATR):c.2342-1G>T

Gene: ATR (ATR checkpoint kinase; minus strand). Cytogenetic location: 3q23.
Variant type: single nucleotide variant.
Coding change: c.2342-1G>T on transcript NM_001184.4 (MANE Select); the canonical splice acceptor site of the intron before coding-DNA position 2342, G replaced by T.
Molecular consequence: splice acceptor variant.
Genome position (GRCh38, 1-based): chr3:142,554,016, C>A on the plus strand (G>T on the coding strand, the complement: ATR is on the minus strand). VCF-style: chr3-142554016-C-A. GRCh37 (hg19) VCF-style: chr3-142272858-C-A.
Other names: c.2150-1G>T (NM_001354579.2).
Identifiers: ClinVar variation 2106620 (VCV002106620.4), dbSNP rs2108466164, ClinGen allele CA354817474.
Genomic context (GRCh38, chr3:142,554,016, plus strand): 5'-CTGTTTCATCTTCTCTAAAATCAAGATGCTTACAAAGATGATGTAGATTATCTATGAAAG[C>A]TGAAGGACAAGAGTATACAATACCTAATTTAACATATTAAATGTCAAGGTTGTACTGTAA-3'